The following is an entry in ClinVar:

NM_012263.5(TTLL1):c.750G>A (p.Glu250=)

Gene: TTLL1 (TTL family tubulin polyglutamylase complex subunit L1; minus strand). Cytogenetic location: 22q13.2.
Variant type: single nucleotide variant.
Coding change: c.750G>A on transcript NM_012263.5 (MANE Select); coding-DNA position 750, G replaced by A.
Protein change: p.Glu250=; no amino-acid change (glutamic acid 250 retained).
Molecular consequence: synonymous variant. On other transcripts: non-coding transcript variant (1).
Genome position (GRCh38, 1-based): chr22:43,059,525, C>T on the plus strand (G>A on the coding strand, the complement: TTLL1 is on the minus strand). VCF-style: chr22-43059525-C-T. GRCh37 (hg19) VCF-style: chr22-43455531-C-T.
Identifiers: ClinVar variation 403579 (VCV000403579.5), dbSNP rs1132079, ClinGen allele CA10271826.

ClinVar aggregate classification (germline): Benign. Review status: criteria provided, multiple submitters, no conflicts (2 of 4 stars). 2 submissions from 2 submitters: Benign (2). Last evaluated 2016-03-29.

Allele frequency attached by ClinVar (database versions not stated): 1000 Genomes Project 0.14816; 1000 Genomes Project 30x 0.15131; TOPMed 0.21985; gnomAD 0.22176 and 0.22279; ESP Exome Variant Server 0.23266; gnomAD exomes 0.25052 and 0.27243; ExAC 0.26067.
gnomAD v4.1: 431,515 of 1,611,020 alleles (27%); highest among the groups gnomAD compares: Middle Eastern, 38%; 61,703 homozygotes.

Submissions (2):

Laboratory for Molecular Medicine, Mass General Brigham Personalized Medicine
Classification: Benign. Last evaluated: 2016-03-29. Review status: criteria provided, single submitter. Criteria: LMM Criteria. Collection method: clinical testing. Allele origin: germline.
Comment: Variant identified in a genome or exome case(s) and assessed due to predicted null impact of the variant or pathogenic assertions in the literature or databases. Disclaimer: This variant has not undergone full assessment. The following are preliminary notes: Frequency

Breakthrough Genomics
Classification: Benign. Review status: criteria provided, single submitter. Criteria: ACMG Guidelines, 2015. Collection method: not provided. Allele origin: germline. Inheritance: Unknown mechanism. Affected: yes.